The following is an entry in ClinVar:

NM_015488.5(PNKD):c.670del (p.Leu224fs)

Genes: CATIP-AS2 (CATIP antisense RNA 2; minus strand), PNKD (PNKD metallo-beta-lactamase domain containing; plus strand). Cytogenetic location: 2q35.
Variant type: Deletion.
Coding change: c.670del on transcript NM_015488.5 (MANE Select); coding-DNA position 670, one base deleted (C; older notation c.670delC).
Protein change: p.Leu224fs; shifts the reading frame from leucine 224.
Molecular consequence: frameshift variant.
Genome position (GRCh38, 1-based): chr2:218,342,033, C deleted; the last of 3 consecutive C bases (chr2:218,342,031-218,342,033); deleting any one gives the same sequence. VCF-style (leftmost placement, unchanged base first): chr2-218342030-GC-G. GRCh37 (hg19) VCF-style: chr2-219206753-GC-G.
Other names: c.598delC, p.Leu200Trpfs (NM_022572.5); short protein forms L200fs, L224fs.
Identifiers: ClinVar variation 4718524 (VCV004718524.1).

ClinVar aggregate classification (germline): Uncertain significance (1 of 4 stars; one submission).

Conditions:
Paroxysmal nonkinesigenic dyskinesia. Also called: Paroxysmal non-kinesigenic dyskinesia. Identifiers: Orphanet 98810, MedGen C1869117, MONDO:0700088.

Submission:

Labcorp Genetics (formerly Invitae), Labcorp
Classification: Uncertain significance for Paroxysmal nonkinesigenic dyskinesia. Last evaluated: 2025-08-14. Review status: criteria provided, single submitter. Criteria: Invitae Variant Classification Sherloc (09022015). Collection method: clinical testing. Allele origin: germline.
Comment: This sequence change creates a premature translational stop signal (p.Leu224Trpfs*49) in the PNKD gene. It is expected to result in an absent or disrupted protein product. However, the current clinical and genetic evidence is not sufficient to establish whether loss-of-function variants in PNKD cause disease. This variant is not present in population databases (gnomAD no frequency). This variant has not been reported in the literature in individuals affected with PNKD-related conditions. In summary, the available evidence is currently insufficient to determine the role of this variant in disease. Therefore, it has been classified as a Variant of Uncertain Significance.